The following is an entry in ClinVar:

NM_201596.3(CACNB2):c.486A>G (p.Arg162=)

Gene: CACNB2 (calcium voltage-gated channel auxiliary subunit beta 2; plus strand). Cytogenetic location: 10p12.31.
Variant type: single nucleotide variant.
Coding change: c.486A>G on transcript NM_201596.3 (MANE Select); coding-DNA position 486, A replaced by G.
Protein change: p.Arg162=; no amino-acid change (arginine 162 retained).
Molecular consequence: synonymous variant.
Genome position (GRCh38, 1-based): chr10:18,500,841, A>G. VCF-style: chr10-18500841-A-G. GRCh37 (hg19) VCF-style: chr10-18789770-A-G.
Other names: c.321A>G, p.Arg107= (NM_000724.4, NM_001330060.2); c.402A>G, p.Arg134= (NM_001167945.2, NM_201571.4, NM_201572.4); c.342A>G, p.Arg114= (NM_001410882.1, NM_201570.3); c.324A>G, p.Arg108= (NM_201590.3); c.486A>G, p.Arg162= (NM_201593.3, NM_201597.3).
Identifiers: ClinVar variation 4990592 (VCV004990592.1).
Genomic context (GRCh38, chr10:18,500,841, plus strand): 5'-TGATTTTTAATGCTTTTGATTTTGTGTTTAGAAATTTAACAATGACTGGTGGATAGGGCG[A>G]TTGGTAAAAGAAGGCTGTGAAATCGGATTCATTCCAAGCCCAGTCAAACTAGAAAACATG-3'
Protein context (NP_963890.2, residues 152-172): EKFNNDWWIG[Arg162=]LVKEGCEIGF

ClinVar aggregate classification (germline): Likely benign (1 of 4 stars; one submission).

Conditions:
CACNB2-related disorder. Also called: CACNB2-related condition.

Submission:

PreventionGenetics, part of Exact Sciences
Classification: Likely benign for CACNB2-related condition. Last evaluated: 2025-09-17. Review status: criteria provided, single submitter. Criteria: ACMG Guidelines, 2015. Collection method: clinical testing. Allele origin: germline.
Comment: This variant is classified as likely benign based on ACMG/AMP sequence variant interpretation guidelines (Richards et al. 2015 PMID: 25741868, with internal and published modifications).